The following is an entry in ClinVar:

ClinVar aggregate classification (germline): Uncertain significance. Review status: criteria provided, multiple submitters, no conflicts (2 of 4 stars). 2 submissions from 2 submitters: Uncertain significance (2). Last evaluated 2025-06-12.

Conditions:
Inborn genetic diseases. Identifiers: MedGen C0950123, MeSH D030342.

Allele frequency attached by ClinVar (database versions not stated): TOPMed 0.00002; gnomAD exomes 0.00001.
gnomAD v4.1: 16 of 1,537,192 alleles (0.001%); highest among the groups gnomAD compares: African/African-American, 0.0014%; no homozygotes.

Submissions (2):

Labcorp Genetics (formerly Invitae), Labcorp
Classification: Uncertain significance. Last evaluated: 2025-06-12. Review status: criteria provided, single submitter. Criteria: Invitae Variant Classification Sherloc (09022015). Collection method: clinical testing. Allele origin: germline.
Comment: This sequence change replaces valine, which is neutral and non-polar, with isoleucine, which is neutral and non-polar, at codon 946 of the PIEZO2 protein (p.Val946Ile). This variant is present in population databases (no rsID available, gnomAD 0.01%). This variant has not been reported in the literature in individuals affected with PIEZO2-related conditions. ClinVar contains an entry for this variant (Variation ID: 2405057). Invitae Evidence Modeling of protein sequence and biophysical properties (such as structural, functional, and spatial information, amino acid conservation, physicochemical variation, residue mobility, and thermodynamic stability) indicates that this missense variant is not expected to disrupt PIEZO2 protein function with a negative predictive value of 80%. In summary, the available evidence is currently insufficient to determine the role of this variant in disease. Therefore, it has been classified as a Variant of Uncertain Significance.

Ambry Genetics
Classification: Uncertain significance for Inborn genetic diseases. Last evaluated: 2022-04-25. Review status: criteria provided, single submitter. Criteria: Ambry Variant Classification Scheme 2023. Collection method: clinical testing. Allele origin: germline.

NM_001378183.1(PIEZO2):c.2911G>A (p.Val971Ile)

Genes: PIEZO2 (piezo type mechanosensitive ion channel component 2; minus strand), LOC126862696 (BRD4-independent group 4 enhancer GRCh37_chr18:10769534-10770733; plus strand). Cytogenetic location: 18p11.22.
Variant type: single nucleotide variant.
Coding change: c.2911G>A on transcript NM_001378183.1 (MANE Select); coding-DNA position 2911, G replaced by A.
Protein change: p.Val971Ile; replaces valine 971 with isoleucine.
Molecular consequence: missense variant.
Genome position (GRCh38, 1-based): chr18:10,770,183, C>T on the plus strand (G>A on the coding strand, the complement: PIEZO2 is on the minus strand). VCF-style: chr18-10770183-C-T. GRCh37 (hg19) VCF-style: chr18-10770181-C-T.
Other names: c.2911G>A, p.Val971Ile (NM_001410871.1); c.2836G>A, p.Val946Ile (NM_022068.4); short protein forms V946I, V971I.
Identifiers: ClinVar variation 2405057 (VCV002405057.4), dbSNP rs1013027921, ClinGen allele CA295991801.
Genomic context (GRCh38, chr18:10,770,183, plus strand): 5'-GATGATAGGACAAATGTTCACTTGCCTCTTTCACAGAAACCCAGATAATGTAAGAGGAAA[C>T]GATTTTGATGATGTGCAACTCCAAAATCCACCACATGAACACCTGCAGCTTGTGAAAATA-3'
Protein context (NP_001365112.1, residues 961-981): WILELHIIKI[Val971Ile]SSYIIWVSVK